The following is an entry in ClinVar:

NM_012431.3(SEMA3E):c.84T>C (p.Thr28=)

Gene: SEMA3E (semaphorin 3E; minus strand). Cytogenetic location: 7q21.11.
Variant type: single nucleotide variant.
Coding change: c.84T>C on transcript NM_012431.3 (MANE Select); coding-DNA position 84, T replaced by C.
Protein change: p.Thr28=; no amino-acid change (threonine 28 retained).
Molecular consequence: synonymous variant.
Genome position (GRCh38, 1-based): chr7:83,648,459, A>G on the plus strand (T>C on the coding strand, the complement: SEMA3E is on the minus strand). VCF-style: chr7-83648459-A-G. GRCh37 (hg19) VCF-style: chr7-83277775-A-G.
Other names: c.84T>C (NM_012431.2).
Identifiers: ClinVar variation 3015217 (VCV003015217.4), dbSNP rs983639243, ClinGen allele CA161742661.

ClinVar aggregate classification (germline): Likely benign. Review status: criteria provided, multiple submitters, no conflicts (2 of 4 stars). 2 submissions from 2 submitters: Likely benign (2). Last evaluated 2025-11-22.

Conditions:
SEMA3E-related disorder. Also called: SEMA3E-related condition.
CHARGE syndrome (CHARGE). Also called: Hittner Hirsch Kreh syndrome; CHARGE ASSOCIATION--COLOBOMA, HEART ANOMALY, CHOANAL ATRESIA, RETARDATION, GENITAL AND EAR ANOMALIES; Coloboma, heart anomaly, choanal atresia, retardation, genital and ear anomalies; CHARGE association; Hall-Hittner syndrome. Identifiers: Orphanet 138, MedGen C0265354, MONDO:0008965.

Allele frequency attached by ClinVar (database versions not stated): gnomAD exomes below 0.00001; gnomAD 0.00002.
gnomAD v4.1: 5 of 1,610,102 alleles (0.00031%); highest among the groups gnomAD compares: African/African-American, 0.0054%; no homozygotes.

Submissions (2):

Labcorp Genetics (formerly Invitae), Labcorp
Classification: Likely benign for CHARGE syndrome. Last evaluated: 2025-11-22. Review status: criteria provided, single submitter. Criteria: Invitae Variant Classification Sherloc (09022015). Collection method: clinical testing. Allele origin: germline.

PreventionGenetics, part of Exact Sciences
Classification: Likely benign for SEMA3E-related condition. Last evaluated: 2025-03-01. Review status: criteria provided, single submitter. Criteria: ACMG Guidelines, 2015. Collection method: clinical testing. Allele origin: germline.
Comment: This variant is classified as likely benign based on ACMG/AMP sequence variant interpretation guidelines (Richards et al. 2015 PMID: 25741868, with internal and published modifications).